The following is an entry in ClinVar:

ClinVar aggregate classification (germline): Likely benign (0 of 4 stars; one submission).

Conditions:
H19-related disorder. Also called: H19-related condition.

Submission:

PreventionGenetics, part of Exact Sciences
Classification: Likely benign for H19-related condition. Last evaluated: 2024-08-04. Review status: no assertion criteria provided. Collection method: clinical testing. Allele origin: germline.
Comment: This variant is classified as likely benign based on ACMG/AMP sequence variant interpretation guidelines (Richards et al. 2015 PMID: 25741868, with internal and published modifications).

NC_000011.10:g.2001446G>T

Genes: H19 (H19 imprinted maternally expressed transcript; minus strand), H19-ICR (H19/IGF2 imprinting control region; plus strand), MRPL23 (mitochondrial ribosomal protein L23; plus strand). Cytogenetic location: 11p15.5.
Variant type: single nucleotide variant.
Molecular consequence: intron variant (on NM_001400176.1).
Genome position: GRCh38 VCF-style: chr11-2001446-G-T. GRCh37 (hg19) VCF-style: chr11-2022676-G-T.
Other names: c.498-10095G>T (NM_001400176.1).
Identifiers: ClinVar variation 3357134 (VCV003357134.1).
Genomic context (GRCh38, chr11:2,001,446, plus strand): 5'-GGGATCCCTCATTTTGGAAGTCTCTGCTCTCCTGTCCCAGCTTCAGTGCCTGACCCAGGT[G>T]ATACGGGGCCATGGTCCTCTGATGAGGTCCTTGAGTCTGATTCCAGCAGCACAGAGCCTC-3'